The following is an entry in ClinVar:

ClinVar aggregate classification (germline): Uncertain significance. Review status: criteria provided, multiple submitters, no conflicts (2 of 4 stars). 2 submissions from 2 submitters: Uncertain significance (2). Last evaluated 2025-09-01.

Conditions:
RASopathy. Also called: Noonan spectrum disorder; rasopathies. Identifiers: Orphanet 536391, MedGen C5555857, MONDO:0021060.
CBL-related disorder. Also called: NOONAN SYNDROME-LIKE DISORDER WITHOUT JUVENILE MYELOMONOCYTIC LEUKEMIA; CBL MUTATION-ASSOCIATED SYNDROME; CBL SYNDROME. Identifiers: Orphanet 363972, MedGen C3150803, MONDO:0013308, OMIM 613563.

Submissions (2):

Labcorp Genetics (formerly Invitae), Labcorp
Classification: Uncertain significance for RASopathy. Last evaluated: 2025-09-01. Review status: criteria provided, single submitter. Criteria: Invitae Variant Classification Sherloc (09022015). Collection method: clinical testing. Allele origin: germline.
Comment: This variant, c.2432_2434del, results in the deletion of 1 amino acid(s) of the CBL protein (p.Thr811del), but otherwise preserves the integrity of the reading frame. This variant is not present in population databases (gnomAD no frequency). This variant has not been reported in the literature in individuals affected with CBL-related conditions. Experimental studies and prediction algorithms are not available or were not evaluated, and the functional significance of this variant is currently unknown. In summary, the available evidence is currently insufficient to determine the role of this variant in disease. Therefore, it has been classified as a Variant of Uncertain Significance.

Genomic Medicine Center of Excellence, King Faisal Specialist Hospital and Research Centre
Classification: Uncertain significance for CBL-related disorder. Last evaluated: 2024-03-26. Review status: criteria provided, single submitter. Criteria: ACMG Guidelines, 2015. Collection method: clinical testing. Allele origin: germline.

NM_005188.4(CBL):c.2429CAA[1] (p.Thr811del)

Gene: CBL (Cbl proto-oncogene; plus strand). Cytogenetic location: 11q23.3.
Variant type: Microsatellite.
Coding change: c.2429CAA[1] on transcript NM_005188.4 (MANE Select); one copy of the 3-base unit CAA starting at c.2429; the reference has two copies in a row; one copy, 3 bases deleted; also written c.2432_2434del.
Protein change: p.Thr811del; deletes threonine 811.
Molecular consequence: inframe deletion.
Genome position (GRCh38, 1-based): chr11:119,298,538-119,298,540, CAA deleted; deleting any 3 consecutive bases within chr11:119,298,534-119,298,540 gives the same sequence; the position shown is the placement nearest the transcript's 3' end. VCF-style (leftmost placement, unchanged base first): chr11-119298533-TACA-T. GRCh37 (hg19) VCF-style: chr11-119169243-TACA-T.
Other names: c.2432_2434del (NM_005188.4); short protein forms T811del.
Identifiers: ClinVar variation 2913134 (VCV002913134.4), dbSNP rs1950079228, ClinGen allele CA942797749.